The following is an entry in ClinVar:

ClinVar aggregate classification (germline): Uncertain significance. Review status: criteria provided, multiple submitters, no conflicts (2 of 4 stars). 3 submissions from 3 submitters: Uncertain significance (3). Last evaluated 2025-03-31.

Conditions:
Cardiovascular phenotype. Identifiers: MedGen CN230736.
Hereditary cancer-predisposing syndrome. Also called: Hereditary Cancer Syndrome; Hereditary neoplastic syndrome; Tumor predisposition; Neoplastic Syndromes, Hereditary. Identifiers: Orphanet 140162, MedGen C0027672, MeSH D009386, MONDO:0015356.
Neurofibromatosis, type 1 (NF1). Also called: VON RECKLINGHAUSEN DISEASE; NEUROFIBROMATOSIS, TYPE I, SOMATIC; Peripheral type neurofibromatosis; Neurofibromatosis, type I. Identifiers: Orphanet 636, MedGen C0027831, MONDO:0018975, OMIM 162200. Disease mechanism: loss of function.

Allele frequency attached by ClinVar (database versions not stated): TOPMed below 0.00001; gnomAD 0.00001.

Submissions (3):

Ambry Genetics
Classification: Uncertain significance for Cardiovascular phenotype; Hereditary cancer-predisposing syndrome. Last evaluated: 2025-03-31. Review status: criteria provided, single submitter. Criteria: Ambry Variant Classification Scheme 2023. Collection method: clinical testing. Allele origin: germline.
Comment: The p.V350M variant (also known as c.1048G>A), located in coding exon 9 of the NF1 gene, results from a G to A substitution at nucleotide position 1048. The valine at codon 350 is replaced by methionine, an amino acid with highly similar properties. This amino acid position is highly conserved in available vertebrate species. In addition, this alteration is predicted to be tolerated by in silico analysis. Since supporting evidence is limited at this time, the clinical significance of this alteration remains unclear.

Labcorp Genetics (formerly Invitae), Labcorp
Classification: Uncertain significance for Neurofibromatosis, type 1. Last evaluated: 2023-05-01. Review status: criteria provided, single submitter. Criteria: Invitae Variant Classification Sherloc (09022015). Collection method: clinical testing. Allele origin: germline.
Comment: In summary, the available evidence is currently insufficient to determine the role of this variant in disease. Therefore, it has been classified as a Variant of Uncertain Significance. Advanced modeling of protein sequence and biophysical properties (such as structural, functional, and spatial information, amino acid conservation, physicochemical variation, residue mobility, and thermodynamic stability) has been performed at Invitae for this missense variant, however the output from this modeling did not meet the statistical confidence thresholds required to predict the impact of this variant on NF1 protein function. ClinVar contains an entry for this variant (Variation ID: 457512). This variant has not been reported in the literature in individuals affected with NF1-related conditions. This variant is not present in population databases (gnomAD no frequency). This sequence change replaces valine, which is neutral and non-polar, with methionine, which is neutral and non-polar, at codon 350 of the NF1 protein (p.Val350Met).

Genome-Nilou Lab
Classification: Uncertain significance for Neurofibromatosis, type 1. Last evaluated: 2022-03-15. Review status: criteria provided, single submitter. Criteria: ACMG Guidelines, 2015. Collection method: clinical testing. Allele origin: germline. Affected: no.

NM_001042492.3(NF1):c.1048G>A (p.Val350Met)

Gene: NF1 (neurofibromin 1; plus strand). Cytogenetic location: 17q11.2.
Variant type: single nucleotide variant.
Coding change: c.1048G>A on transcript NM_001042492.3 (MANE Select); coding-DNA position 1048, G replaced by A.
Protein change: p.Val350Met; replaces valine 350 with methionine.
Molecular consequence: missense variant.
Genome position (GRCh38, 1-based): chr17:31,200,581, G>A. VCF-style: chr17-31200581-G-A. GRCh37 (hg19) VCF-style: chr17-29527599-G-A.
Other names: c.1048G>A, p.Val350Met (NM_000267.4, NM_001128147.3); short protein forms V350M.
Identifiers: ClinVar variation 457512 (VCV000457512.13), dbSNP rs1185636269, ClinGen allele CA398996490.
Genomic context (GRCh38, chr17:31,200,581, plus strand): 5'-GCAAGTACTTACATCAATTGGGAAGATAACTCTGTCATTTTCCTACTTGTTCAGTCCATG[G>A]TGGTTGATCTTAAGGTAACATGCTTATTCTTTCTCTACTACAAACTTTAAGAAAATTAAA-3'
Protein context (NP_001035957.1, residues 340-360): SVIFLLVQSM[Val350Met]VDLKNLLFNP